The following is an entry in ClinVar:

ClinVar aggregate classification (germline): Pathogenic (1 of 4 stars; one submission).

Submission:

Labcorp Genetics (formerly Invitae), Labcorp
Classification: Pathogenic. Last evaluated: 2025-10-28. Review status: criteria provided, single submitter. Criteria: Invitae Variant Classification Sherloc (09022015). Collection method: clinical testing. Allele origin: germline.
Comment: This sequence change creates a premature translational stop signal (p.Glu272Aspfs*19) in the CHM gene. It is expected to result in an absent or disrupted protein product. Loss-of-function variants in CHM are known to be pathogenic (PMID: 9067750, 23811034). This variant is not present in population databases (gnomAD no frequency). This variant has not been reported in the literature in individuals affected with CHM-related conditions. ClinVar contains an entry for this variant (Variation ID: 1073370). For these reasons, this variant has been classified as Pathogenic.

Literature cited by the submitters: PubMed 9067750; PubMed 23811034.

NM_000390.4(CHM):c.816del (p.Glu272fs)

Gene: CHM (CHM Rab escort protein; minus strand). Cytogenetic location: Xq21.2.
Variant type: Deletion.
Coding change: c.816del on transcript NM_000390.4 (MANE Select); coding-DNA position 816, one base deleted (A; older notation c.816delA).
Protein change: p.Glu272fs; shifts the reading frame from glutamic acid 272.
Molecular consequence: frameshift variant.
Genome position (GRCh38, 1-based): chrX:85,958,864, T deleted on the plus strand (A on the coding strand, the reverse complement: CHM is on the minus strand); the first of 2 consecutive T bases (chrX:85,958,864-85,958,865); deleting either gives the same sequence. VCF-style (leftmost placement, unchanged base first): chrX-85958863-GT-G. GRCh37 (hg19) VCF-style: chrX-85213868-GT-G.
Other names: c.372del, p.Glu124fs (NM_001320959.1, NM_001362517.1, NM_001362518.2 and 1 more transcripts); short protein forms E124fs, E272fs.
Identifiers: ClinVar variation 1073370 (VCV001073370.7), dbSNP rs2147667298, ClinGen allele CA2499226906.